The following is an entry in ClinVar:

ClinVar aggregate classification (germline): Uncertain significance (1 of 4 stars; one submission).

gnomAD v4.1: 1 of 1,614,204 alleles (0.000062%); highest among the groups gnomAD compares: Non-Finnish European, 0.000085%; no homozygotes.

Submission:

Dasa
Classification: Uncertain significance. Last evaluated: 2026-04-28. Review status: criteria provided, single submitter. Criteria: DASA Assertion Criteria. Collection method: clinical testing. Allele origin: germline.
Comment: NM_002055.5(GFAP):c.652C>G (p.Gln218Glu) is a missense variant that results in the substitution of glutamine with glutamic acid. The affected residue or protein region has prior evidence supporting clinical relevance. This variant is rare in population databases. The currently available literature and clinical evidence are not sufficient to establish a definitive association between this variant and the reported condition. Therefore, this variant is classified as a variant of uncertain significance.

NM_002055.5(GFAP):c.652C>G (p.Gln218Glu)

Gene: GFAP (glial fibrillary acidic protein; minus strand). Cytogenetic location: 17q21.31.
Variant type: single nucleotide variant.
Coding change: c.652C>G on transcript NM_002055.5 (MANE Select); coding-DNA position 652, C replaced by G.
Protein change: p.Gln218Glu; replaces glutamine 218 with glutamic acid.
Molecular consequence: missense variant.
Genome position (GRCh38, 1-based): chr17:44,913,397, G>C on the plus strand (C>G on the coding strand, the complement: GFAP is on the minus strand). VCF-style: chr17-44913397-G-C. GRCh37 (hg19) VCF-style: chr17-42990765-G-C.
Other names: c.652C>G, p.Gln218Glu (NM_001131019.3, NM_001242376.3, NM_001363846.2); short protein forms Q218E.
Identifiers: ClinVar variation 5020665 (VCV005020665.1).